The following is an entry in ClinVar:

ClinVar aggregate classification (germline): Uncertain significance (1 of 4 stars; one submission).

Conditions:
Cataract 10 multiple types. Also called: CATARACT 10, CONGENITAL ZONULAR, WITH SUTURAL OPACITIES. Identifiers: Orphanet 91492, MedGen C1833229, MONDO:0010948, OMIM 600881.

Submission:

Labcorp Genetics (formerly Invitae), Labcorp
Classification: Uncertain significance for Cataract 10 multiple types. Last evaluated: 2022-06-22. Review status: criteria provided, single submitter. Criteria: Invitae Variant Classification Sherloc (09022015). Collection method: clinical testing. Allele origin: germline.
Comment: In summary, the available evidence is currently insufficient to determine the role of this variant in disease. Therefore, it has been classified as a Variant of Uncertain Significance. Algorithms developed to predict the effect of missense changes on protein structure and function output the following: SIFT: "Deleterious"; PolyPhen-2: "Possibly Damaging"; Align-GVGD: "Class C0". The threonine amino acid residue is found in multiple mammalian species, which suggests that this missense change does not adversely affect protein function. This variant has not been reported in the literature in individuals affected with CRYBA1-related conditions. This variant is not present in population databases (gnomAD no frequency). This sequence change replaces alanine, which is neutral and non-polar, with threonine, which is neutral and polar, at codon 104 of the CRYBA1 protein (p.Ala104Thr).

NM_005208.5(CRYBA1):c.310G>A (p.Ala104Thr)

Gene: CRYBA1 (crystallin beta A1; plus strand). Cytogenetic location: 17q11.2.
Variant type: single nucleotide variant.
Coding change: c.310G>A on transcript NM_005208.5 (MANE Select); coding-DNA position 310, G replaced by A.
Protein change: p.Ala104Thr; replaces alanine 104 with threonine.
Molecular consequence: missense variant.
Genome position (GRCh38, 1-based): chr17:29,252,158, G>A. VCF-style: chr17-29252158-G-A. GRCh37 (hg19) VCF-style: chr17-27579176-G-A.
Other names: short protein forms A104T.
Identifiers: ClinVar variation 2118967 (VCV002118967.4), dbSNP rs2545740576, ClinGen allele CA398476774.